The following is an entry in ClinVar:

ClinVar aggregate classification (germline): Uncertain significance (1 of 4 stars; one submission).

Submission:

Labcorp Genetics (formerly Invitae), Labcorp
Classification: Uncertain significance. Last evaluated: 2024-02-23. Review status: criteria provided, single submitter. Criteria: Invitae Variant Classification Sherloc (09022015). Collection method: clinical testing. Allele origin: germline.
Comment: This sequence change replaces leucine, which is neutral and non-polar, with phenylalanine, which is neutral and non-polar, at codon 382 of the ZIC4 protein (p.Leu382Phe). This variant is not present in population databases (gnomAD no frequency). This variant has not been reported in the literature in individuals affected with ZIC4-related conditions. An algorithm developed to predict the effect of missense changes on protein structure and function (PolyPhen-2) suggests that this variant is likely to be tolerated. In summary, the available evidence is currently insufficient to determine the role of this variant in disease. Therefore, it has been classified as a Variant of Uncertain Significance.

NM_032153.6(ZIC4):c.996G>T (p.Leu332Phe)

Gene: ZIC4 (Zic family zinc finger 4; minus strand). Cytogenetic location: 3q24.
Variant type: single nucleotide variant.
Coding change: c.996G>T on transcript NM_032153.6 (MANE Select); coding-DNA position 996, G replaced by T.
Protein change: p.Leu332Phe; replaces leucine 332 with phenylalanine.
Molecular consequence: missense variant. On other transcripts: non-coding transcript variant (3).
Genome position (GRCh38, 1-based): chr3:147,390,939, C>A on the plus strand (G>T on the coding strand, the complement: ZIC4 is on the minus strand). VCF-style: chr3-147390939-C-A. GRCh37 (hg19) VCF-style: chr3-147108726-C-A.
Other names: c.378G>T, p.Leu126Phe (NM_001243256.2); c.1146G>T, p.Leu382Phe (NM_001168378.1); c.1110G>T, p.Leu370Phe (NM_001168379.2); short protein forms L126F, L332F, L370F, L382F.
Identifiers: ClinVar variation 3686061 (VCV003686061.2).